The following is an entry in ClinVar:

NM_001376.5(DYNC1H1):c.5998G>C (p.Glu2000Gln)

Gene: DYNC1H1 (dynein cytoplasmic 1 heavy chain 1; plus strand). Cytogenetic location: 14q32.31.
Variant type: single nucleotide variant.
Coding change: c.5998G>C on transcript NM_001376.5 (MANE Select); coding-DNA position 5998, G replaced by C.
Protein change: p.Glu2000Gln; replaces glutamic acid 2000 with glutamine.
Molecular consequence: missense variant.
Genome position (GRCh38, 1-based): chr14:102,009,863, G>C. VCF-style: chr14-102009863-G-C. GRCh37 (hg19) VCF-style: chr14-102476200-G-C.
Other names: short protein forms E2000Q.
Identifiers: ClinVar variation 3636149 (VCV003636149.2).

ClinVar aggregate classification (germline): Uncertain significance (1 of 4 stars; one submission).

Conditions:
Charcot-Marie-Tooth disease axonal type 2O. Also called: Charcot-Marie-Tooth disease, axonal, type 20; CHARCOT-MARIE-TOOTH NEUROPATHY, AXONAL, TYPE 2O; CHARCOT-MARIE-TOOTH DISEASE, AXONAL, AUTOSOMAL DOMINANT, TYPE 2O; Charcot-Marie-Tooth Neuropathy Type 2O. Identifiers: Orphanet 284232, MedGen C3280220, MONDO:0013644, OMIM 614228.

Submission:

Labcorp Genetics (formerly Invitae), Labcorp
Classification: Uncertain significance for Charcot-Marie-Tooth disease axonal type 2O. Last evaluated: 2024-08-28. Review status: criteria provided, single submitter. Criteria: Invitae Variant Classification Sherloc (09022015). Collection method: clinical testing. Allele origin: germline.
Comment: This sequence change replaces glutamic acid, which is acidic and polar, with glutamine, which is neutral and polar, at codon 2000 of the DYNC1H1 protein (p.Glu2000Gln). This variant is not present in population databases (gnomAD no frequency). This variant has not been reported in the literature in individuals affected with DYNC1H1-related conditions. Invitae Evidence Modeling of protein sequence and biophysical properties (such as structural, functional, and spatial information, amino acid conservation, physicochemical variation, residue mobility, and thermodynamic stability) indicates that this missense variant is not expected to disrupt DYNC1H1 protein function with a negative predictive value of 95%. Algorithms developed to predict the effect of sequence changes on RNA splicing suggest that this variant may disrupt the consensus splice site. In summary, the available evidence is currently insufficient to determine the role of this variant in disease. Therefore, it has been classified as a Variant of Uncertain Significance.